The following is an entry in ClinVar:

NM_000297.4(PKD2):c.2854A>G (p.Thr952Ala)

Gene: PKD2 (polycystin 2, transient receptor potential cation channel; plus strand). Cytogenetic location: 4q22.1.
Variant type: single nucleotide variant.
Coding change: c.2854A>G on transcript NM_000297.4 (MANE Select); coding-DNA position 2854, A replaced by G.
Protein change: p.Thr952Ala; replaces threonine 952 with alanine.
Molecular consequence: missense variant. On other transcripts: non-coding transcript variant (1).
Genome position (GRCh38, 1-based): chr4:88,075,641, A>G. VCF-style: chr4-88075641-A-G. GRCh37 (hg19) VCF-style: chr4-88996793-A-G.
Other names: c.2629A>G, p.Thr877Ala (NM_001440544.1); short protein forms T877A, T952A.
Identifiers: ClinVar variation 4776719 (VCV004776719.1).

ClinVar aggregate classification (germline): Uncertain significance (1 of 4 stars; one submission).

Conditions:
Autosomal dominant polycystic kidney disease. Identifiers: Orphanet 730, MedGen C0085413, MONDO:0004691.

gnomAD v4.1: 3 of 1,613,940 alleles (0.00019%); highest among the groups gnomAD compares: East Asian, 0.0067%; no homozygotes.

Submission:

Labcorp Genetics (formerly Invitae), Labcorp
Classification: Uncertain significance for Autosomal dominant polycystic kidney disease. Last evaluated: 2025-10-03. Review status: criteria provided, single submitter. Criteria: Invitae Variant Classification Sherloc (09022015). Collection method: clinical testing. Allele origin: germline.
Comment: This sequence change replaces threonine, which is neutral and polar, with alanine, which is neutral and non-polar, at codon 952 of the PKD2 protein (p.Thr952Ala). This variant is present in population databases (rs767670761, gnomAD 0.03%). This variant has not been reported in the literature in individuals affected with PKD2-related conditions. An algorithm developed to predict the effect of missense changes on protein structure and function outputs the following: PolyPhen-2: "Benign". The alanine amino acid residue is found in multiple mammalian species, which suggests that this missense change does not adversely affect protein function. In summary, the available evidence is currently insufficient to determine the role of this variant in disease. Therefore, it has been classified as a Variant of Uncertain Significance.